The following is an entry in ClinVar:

ClinVar aggregate classification (germline): Uncertain significance (1 of 4 stars; one submission).

gnomAD v4.1: 2 of 1,597,074 alleles (0.00013%); highest among the groups gnomAD compares: Non-Finnish European, 0.00017%; no homozygotes.

Submission:

GeneDx
Classification: Uncertain significance. Last evaluated: 2019-10-02. Review status: criteria provided, single submitter. Criteria: GeneDx Variant Classification Process June 2021. Collection method: clinical testing. Allele origin: germline. Affected: yes.
Comment: Not observed in large population cohorts (Lek et al., 2016); In silico analysis, which includes protein predictors and evolutionary conservation, supports a deleterious effect; Has not been previously published as pathogenic or benign to our knowledge

NM_006015.6(ARID1A):c.4168A>T (p.Ser1390Cys)

Gene: ARID1A (AT-rich interaction domain 1A; plus strand). Cytogenetic location: 1p36.11.
Variant type: single nucleotide variant.
Coding change: c.4168A>T on transcript NM_006015.6 (MANE Select); coding-DNA position 4168, A replaced by T.
Protein change: p.Ser1390Cys; replaces serine 1390 with cysteine.
Molecular consequence: missense variant. On other transcripts: intron variant (1).
Genome position (GRCh38, 1-based): chr1:26,774,395, A>T. VCF-style: chr1-26774395-A-T. GRCh37 (hg19) VCF-style: chr1-27100886-A-T.
Other names: c.4101+497A>T (NM_139135.4); short protein forms S1390C.
Identifiers: ClinVar variation 1308803 (VCV001308803.2), dbSNP rs1434951491, ClinGen allele CA339173161.